The following is an entry in ClinVar:

ClinVar aggregate classification (germline): Uncertain significance (1 of 4 stars; one submission).

Conditions:
Inborn genetic diseases. Identifiers: MedGen C0950123, MeSH D030342.

gnomAD v4.1: 1 of 1,613,654 alleles (0.000062%); highest among the groups gnomAD compares: Non-Finnish European, 0.000085%; no homozygotes.

Submission:

Ambry Genetics
Classification: Uncertain significance for Inborn genetic diseases. Last evaluated: 2026-03-24. Review status: criteria provided, single submitter. Criteria: Ambry Variant Classification Scheme 2023. Collection method: clinical testing. Allele origin: germline.
Comment: The p.L548F variant (also known as c.1642C>T), located in coding exon 16 of the DDX41 gene, results from a C to T substitution at nucleotide position 1642. The leucine at codon 548 is replaced by phenylalanine, an amino acid with highly similar properties. This amino acid position is conserved. In addition, the in silico prediction for this alteration is inconclusive. Based on the available evidence, the clinical significance of this variant remains unclear.

NM_016222.4(DDX41):c.1642C>T (p.Leu548Phe)

Gene: DDX41 (DEAD-box helicase 41; minus strand). Cytogenetic location: 5q35.3.
Variant type: single nucleotide variant.
Coding change: c.1642C>T on transcript NM_016222.4 (MANE Select); coding-DNA position 1642, C replaced by T.
Protein change: p.Leu548Phe; replaces leucine 548 with phenylalanine.
Molecular consequence: missense variant.
Genome position (GRCh38, 1-based): chr5:177,512,186, G>A on the plus strand (C>T on the coding strand, the complement: DDX41 is on the minus strand). VCF-style: chr5-177512186-G-A. GRCh37 (hg19) VCF-style: chr5-176939187-G-A.
Other names: c.1264C>T, p.Leu422Phe (NM_001321732.2, NM_001321830.2); short protein forms L422F, L548F.
Identifiers: ClinVar variation 4869623 (VCV004869623.1).
Genomic context (GRCh38, chr5:177,512,186, plus strand): 5'-AATGCAGCACCTGCAGCACGGGCGGCACCTTCTGCTTGGCTTCTAGCAGCAGCGCTTTGA[G>A]GTCCATCAGCACTGACTCATCTGGGGGAGGAGTGGGGAAGCATCAGGGCCCATCCTGGGC-3'
Protein context (NP_057306.2, residues 538-558): KACDESVLMD[Leu548Phe]KALLLEAKQK